The following is an entry in ClinVar:

NM_014679.5(CEP57):c.26C>G (p.Ala9Gly)

Genes: CEP57 (centrosomal protein 57; plus strand), LOC130006618 (ATAC-STARR-seq lymphoblastoid active region 5417; plus strand). Cytogenetic location: 11q21.
Variant type: single nucleotide variant.
Coding change: c.26C>G on transcript NM_014679.5 (MANE Select); coding-DNA position 26, C replaced by G.
Protein change: p.Ala9Gly; replaces alanine 9 with glycine.
Molecular consequence: missense variant. On other transcripts: 5 prime UTR variant (2).
Genome position (GRCh38, 1-based): chr11:95,790,724, C>G. VCF-style: chr11-95790724-C-G. GRCh37 (hg19) VCF-style: chr11-95523888-C-G.
Other names: c.-46C>G (NM_001243776.2); c.26C>G, p.Ala9Gly (NM_001243777.2); c.-369C>G (NM_001363604.2); short protein forms A9G.
Identifiers: ClinVar variation 3831977 (VCV003831977.1).

ClinVar aggregate classification (germline): Uncertain significance (1 of 4 stars; one submission).

Conditions:
Inborn genetic diseases. Identifiers: MedGen C0950123, MeSH D030342.

gnomAD v4.1: 4 of 1,614,130 alleles (0.00025%); highest among the groups gnomAD compares: Non-Finnish European, 0.00034%; no homozygotes.

Submission:

Ambry Genetics
Classification: Uncertain significance for Inborn genetic diseases. Last evaluated: 2025-01-27. Review status: criteria provided, single submitter. Criteria: Ambry Variant Classification Scheme 2023. Collection method: clinical testing. Allele origin: germline.
Comment: The p.A9G variant (also known as c.26C>G), located in coding exon 1 of the CEP57 gene, results from a C to G substitution at nucleotide position 26. The alanine at codon 9 is replaced by glycine, an amino acid with similar properties. This amino acid position is conserved. In addition, this alteration is predicted to be tolerated by in silico analysis. Based on the available evidence, the clinical significance of this variant remains unclear.